The following is an entry in ClinVar:

NM_176869.3(PPA2):c.321+5C>T

Gene: PPA2 (inorganic pyrophosphatase 2; minus strand). Cytogenetic location: 4q24.
Variant type: single nucleotide variant.
Coding change: c.321+5C>T on transcript NM_176869.3 (MANE Select); 5 bases into the intron after coding-DNA position 321, C replaced by T.
Molecular consequence: intron variant.
Genome position (GRCh38, 1-based): chr4:105,449,345, G>A on the plus strand (C>T on the coding strand, the complement: PPA2 is on the minus strand). VCF-style: chr4-105449345-G-A. GRCh37 (hg19) VCF-style: chr4-106370502-G-A.
Other names: c.157+24549C>T (NM_176867.3); c.222+7336C>T (NM_176866.2); c.321+5C>T (NM_006903.4).
Identifiers: ClinVar variation 1428551 (VCV001428551.3), dbSNP rs760594754, ClinGen allele CA3032607.
Genomic context (GRCh38, chr4:105,449,345, plus strand): 5'-ACTTGCAACAAAGTTTTATATCATTATAATCATTTCGGTTTCATATTAATAAAGTATATC[G>A]GTACCTCCATTTTAGCATTTGTCCACCGAGGTATTTCTACAATCATATTAAACAGATTCT-3'

ClinVar aggregate classification (germline): Uncertain significance (1 of 4 stars; one submission).

Allele frequency attached by ClinVar (database versions not stated): ExAC 0.00003.
gnomAD v4.1: 38 of 1,539,268 alleles (0.0025%); highest among the groups gnomAD compares: Admixed American, 0.0053%; no homozygotes.

Submission:

Labcorp Genetics (formerly Invitae), Labcorp
Classification: Uncertain significance. Last evaluated: 2022-03-22. Review status: criteria provided, single submitter. Criteria: Invitae Variant Classification Sherloc (09022015). Collection method: clinical testing. Allele origin: germline.
Comment: This sequence change falls in intron 4 of the PPA2 gene. It does not directly change the encoded amino acid sequence of the PPA2 protein. It affects a nucleotide within the consensus splice site. This variant is present in population databases (rs760594754, gnomAD 0.007%). This variant has not been reported in the literature in individuals affected with PPA2-related conditions. Variants that disrupt the consensus splice site are a relatively common cause of aberrant splicing (PMID: 17576681, 9536098). Algorithms developed to predict the effect of sequence changes on RNA splicing suggest that this variant is not likely to affect RNA splicing. In summary, the available evidence is currently insufficient to determine the role of this variant in disease. Therefore, it has been classified as a Variant of Uncertain Significance.

Literature cited by the submitters: PubMed 17576681; PubMed 9536098.